The following is an entry in ClinVar:

ClinVar aggregate classification (germline): Pathogenic (1 of 4 stars; one submission).

Conditions:
FGFR2-related craniosynostosis. Identifiers: MedGen CN231480.

Submission:

Labcorp Genetics (formerly Invitae), Labcorp
Classification: Pathogenic for FGFR2-related craniosynostosis. Last evaluated: 2022-11-07. Review status: criteria provided, single submitter. Criteria: Invitae Variant Classification Sherloc (09022015). Collection method: clinical testing. Allele origin: germline.
Comment: For these reasons, this variant has been classified as Pathogenic. This variant disrupts the p.Asp321 amino acid residue in FGFR2. Other variant(s) that disrupt this residue have been determined to be pathogenic (PMID: 7719333, 9531645, 9586546, 10394936). This suggests that this residue is clinically significant, and that variants that disrupt this residue are likely to be disease-causing. Advanced modeling of protein sequence and biophysical properties (such as structural, functional, and spatial information, amino acid conservation, physicochemical variation, residue mobility, and thermodynamic stability) performed at Invitae indicates that this missense variant is expected to disrupt FGFR2 protein function. ClinVar contains an entry for this variant (Variation ID: 1060632). This missense change has been observed in individuals with clinical features of FGFR2-related conditions (PMID: 29109840; Invitae). This variant is not present in population databases (gnomAD no frequency). This sequence change replaces aspartic acid, which is acidic and polar, with valine, which is neutral and non-polar, at codon 321 of the FGFR2 protein (p.Asp321Val).

Literature cited by the submitters: PubMed 7719333; PubMed 9531645; PubMed 9586546; PubMed 10394936; PubMed 29109840.

NM_000141.5(FGFR2):c.962A>T (p.Asp321Val)

Gene: FGFR2 (fibroblast growth factor receptor 2; minus strand). Cytogenetic location: 10q26.13.
Variant type: single nucleotide variant.
Coding change: c.962A>T on transcript NM_000141.5 (MANE Select); coding-DNA position 962, A replaced by T.
Protein change: p.Asp321Val; replaces aspartic acid 321 with valine.
Molecular consequence: missense variant. On other transcripts: non-coding transcript variant (1), intron variant (5).
Genome position (GRCh38, 1-based): chr10:121,517,441, T>A on the plus strand (A>T on the coding strand, the complement: FGFR2 is on the minus strand). VCF-style: chr10-121517441-T-A. GRCh37 (hg19) VCF-style: chr10-123276955-T-A.
Other names: c.695A>T, p.Asp232Val (NM_001144915.2, NM_023029.3); c.617A>T, p.Asp206Val (NM_001144916.2, NM_001144918.2); c.278A>T, p.Asp93Val (NM_001320654.2); c.962A>T, p.Asp321Val (NM_001320658.2); c.749-2122A>T (NM_001144914.1); c.939+2538A>T (NM_001144917.2); c.1087+1241A>T (NM_022970.4, NM_001144913.1); c.820+1241A>T (NM_001144919.2); short protein forms D206V, D232V, D321V, D93V.
Identifiers: ClinVar variation 1060632 (VCV001060632.9), dbSNP rs121918510, ClinGen allele CA378328475.
Genomic context (GRCh38, chr10:121,517,441, plus strand): 5'-GTATATTCCCCAGCGTCCTCAAAAGTTACATTCCGAATATAGAGAACCTCAATCTCTTTG[T>A]CCGTGGTGTTAACACCGGCGGCCTAGAAAACAAGGGAAGCAAAAGAAAAGGCTAGACGAC-3'
Protein context (NP_000132.3, residues 311-331): VLKAAGVNTT[Asp321Val]KEIEVLYIRN